The following is an entry in ClinVar:

ClinVar aggregate classification (germline): Uncertain significance (1 of 4 stars; one submission).

Conditions:
Neutral lipid storage myopathy (NLSDM). Also called: NEUTRAL LIPID STORAGE DISEASE WITHOUT ICHTHYOSIS. Identifiers: Orphanet 98908, MedGen C1853136, MONDO:0012545, OMIM 610717.

Allele frequency attached by ClinVar (database versions not stated): gnomAD 0.00001.

Submission:

Labcorp Genetics (formerly Invitae), Labcorp
Classification: Uncertain significance for Neutral lipid storage myopathy. Last evaluated: 2022-02-02. Review status: criteria provided, single submitter. Criteria: Invitae Variant Classification Sherloc (09022015). Collection method: clinical testing. Allele origin: germline.
Comment: In summary, the available evidence is currently insufficient to determine the role of this variant in disease. Therefore, it has been classified as a Variant of Uncertain Significance. Algorithms developed to predict the effect of missense changes on protein structure and function output the following: SIFT: "Deleterious"; PolyPhen-2: "Benign"; Align-GVGD: "Class C0". The leucine amino acid residue is found in multiple mammalian species, which suggests that this missense change does not adversely affect protein function. This variant has not been reported in the literature in individuals affected with PNPLA2-related conditions. This variant is not present in population databases (gnomAD no frequency). This sequence change replaces serine, which is neutral and polar, with leucine, which is neutral and non-polar, at codon 428 of the PNPLA2 protein (p.Ser428Leu).

NM_020376.4(PNPLA2):c.1283C>T (p.Ser428Leu)

Gene: PNPLA2 (patatin like domain 2, triacylglycerol lipase; plus strand). Cytogenetic location: 11p15.5.
Variant type: single nucleotide variant.
Coding change: c.1283C>T on transcript NM_020376.4 (MANE Select); coding-DNA position 1283, C replaced by T.
Protein change: p.Ser428Leu; replaces serine 428 with leucine.
Molecular consequence: missense variant.
Genome position (GRCh38, 1-based): chr11:824,630, C>T. VCF-style: chr11-824630-C-T. GRCh37 (hg19) VCF-style: chr11-824630-C-T.
Other names: short protein forms S428L.
Identifiers: ClinVar variation 2191247 (VCV002191247.4), dbSNP rs1845818158, ClinGen allele CA378984785.